The following is an entry in ClinVar:

ClinVar aggregate classification (germline): Pathogenic (1 of 4 stars; one submission).

Conditions:
Immunodeficiency-centromeric instability-facial anomalies syndrome 2 (ICF2). Identifiers: Orphanet 2268, MedGen C3279748, MONDO:0013553, OMIM 614069.

Submission:

Labcorp Genetics (formerly Invitae), Labcorp
Classification: Pathogenic for Immunodeficiency-centromeric instability-facial anomalies syndrome 2. Last evaluated: 2023-01-09. Review status: criteria provided, single submitter. Criteria: Invitae Variant Classification Sherloc (09022015). Collection method: clinical testing. Allele origin: unknown.
Comment: For these reasons, this variant has been classified as Pathogenic. This variant has not been reported in the literature in individuals affected with ZBTB24-related conditions. This variant is a gross deletion of the genomic region encompassing exon(s) 6 of the ZBTB24 gene. This deletion is out-of-frame, and is expected to create a premature termination codon and result in an absent or disrupted protein product. Loss-of-function variants in ZBTB24 are known to be pathogenic (PMID: 21596365).

Literature cited by the submitters: PubMed 21596365.

NC_000006.11:g.(?_109788836)_(109788957_?)del

Gene: ZBTB24 (zinc finger and BTB domain containing 24; minus strand). Cytogenetic location: 6q21.
Variant type: Deletion.
Identifiers: ClinVar variation 3246028 (VCV003246028.1).